The following is an entry in ClinVar:

NM_001077365.2(POMT1):c.1116T>C (p.Pro372=)

Gene: POMT1 (protein O-mannosyltransferase 1; plus strand). Cytogenetic location: 9q34.13.
Variant type: single nucleotide variant.
Coding change: c.1116T>C on transcript NM_001077365.2 (MANE Select); coding-DNA position 1116, T replaced by C.
Protein change: p.Pro372=; no amino-acid change (proline 372 retained).
Molecular consequence: synonymous variant. On other transcripts: non-coding transcript variant (10), intron variant (1).
Genome position (GRCh38, 1-based): chr9:131,513,272, T>C. VCF-style: chr9-131513272-T-C. GRCh37 (hg19) VCF-style: chr9-134388659-T-C.
Other names: c.954T>C, p.Pro318= (NM_001077366.2, NM_001353194.2); c.1116T>C, p.Pro372= (NM_001136113.2, NM_001374690.1); c.765T>C, p.Pro255= (NM_001136114.2, NM_001353195.2, NM_001374691.1 and 1 more transcripts); c.1182T>C, p.Pro394= (NM_001353193.2, NM_007171.4); c.1026T>C, p.Pro342= (NM_001353196.2); c.1020T>C, p.Pro340= (NM_001353197.2, NM_001353198.2); c.831T>C, p.Pro277= (NM_001353199.2); c.660T>C, p.Pro220= (NM_001353200.2); and 3 more.
Identifiers: ClinVar variation 538727 (VCV000538727.13), dbSNP rs146945848, ClinGen allele CA5293541.

ClinVar aggregate classification (germline): Likely benign. Review status: criteria provided, multiple submitters, no conflicts (2 of 4 stars). 2 submissions from 2 submitters: Likely benign (2). Last evaluated 2026-03-26.

Conditions:
Autosomal recessive limb-girdle muscular dystrophy type 2K. Also called: MUSCULAR DYSTROPHY-DYSTROGLYCANOPATHY (LIMB-GIRDLE), TYPE C, 1; MUSCULAR DYSTROPHY, LIMB-GIRDLE, TYPE 2K. Identifiers: Orphanet 86812, MedGen C1836373, MONDO:0012248, OMIM 609308.
Walker-Warburg congenital muscular dystrophy. Also called: Muscular dystrophy-dystroglycanopathy, type A; Walker-Warburg syndrome. Identifiers: Orphanet 899, MedGen C0265221, MONDO:0000171.
Muscular dystrophy-dystroglycanopathy (congenital with impaired intellectual development), type B, 1. Also called: Muscular dystrophy-dystroglycanopathy (congenital with intellectual disability), type B1; MUSCULAR DYSTROPHY, CONGENITAL, POMT1-RELATED. Identifiers: MedGen C5436962, MONDO:0013159, OMIM 613155.
POMT1-related disorder. Also called: POMT1-related condition; POMT1-related disorders.

Allele frequency attached by ClinVar (database versions not stated): gnomAD exomes 0.00002 and 0.00007; TOPMed 0.00017; ESP Exome Variant Server 0.00023; ExAC 0.00008; gnomAD 0.00020 and 0.00018.

Submissions (2):

PreventionGenetics, part of Exact Sciences
Classification: Likely benign for POMT1-related condition. Last evaluated: 2026-03-26. Review status: criteria provided, single submitter. Criteria: ACMG Guidelines, 2015. Collection method: clinical testing. Allele origin: germline.
Comment: This variant is classified as likely benign based on ACMG/AMP sequence variant interpretation guidelines (Richards et al. 2015 PMID: 25741868, with internal and published modifications).

Labcorp Genetics (formerly Invitae), Labcorp
Classification: Likely benign for Muscular dystrophy-dystroglycanopathy (congenital with impaired intellectual development), type B, 1; Walker-Warburg congenital muscular dystrophy; Autosomal recessive limb-girdle muscular dystrophy type 2K. Last evaluated: 2026-01-19. Review status: criteria provided, single submitter. Criteria: Invitae Variant Classification Sherloc (09022015). Collection method: clinical testing. Allele origin: germline.